The following is an entry in ClinVar:

NM_005502.4(ABCA1):c.712C>G (p.Pro238Ala)

Gene: ABCA1 (ATP binding cassette subfamily A member 1; minus strand). Cytogenetic location: 9q31.1.
Variant type: single nucleotide variant.
Coding change: c.712C>G on transcript NM_005502.4 (MANE Select); coding-DNA position 712, C replaced by G.
Protein change: p.Pro238Ala; replaces proline 238 with alanine.
Molecular consequence: missense variant.
Genome position (GRCh38, 1-based): chr9:104,858,530, G>C on the plus strand (C>G on the coding strand, the complement: ABCA1 is on the minus strand). VCF-style: chr9-104858530-G-C. GRCh37 (hg19) VCF-style: chr9-107620811-G-C.
Other names: short protein forms P238A.
Identifiers: ClinVar variation 1757298 (VCV001757298.2), dbSNP rs1836048178, ClinGen allele CA374311047.
Genomic context (GRCh38, chr9:104,858,530, plus strand): 5'-CATTCCGAAAGCATTAGTGCTTGAAGTTTCTCCAGTGAGCAAGTCTACTCACCAGGATTG[G>C]CTTCAGGATGTCCATGTTGGAACGAAGTACTCGCTCTGCTGCAGCCAGTTTCTCCCTTGG-3'
Protein context (NP_005493.2, residues 228-248): VLRSNMDILK[Pro238Ala]ILRTLNSTSP

ClinVar aggregate classification (germline): Uncertain significance (1 of 4 stars; one submission).

Conditions:
Cardiovascular phenotype. Identifiers: MedGen CN230736.

Allele frequency attached by ClinVar (database versions not stated): gnomAD exomes below 0.00001; gnomAD 0.00001.
gnomAD v4.1: 10 of 1,613,684 alleles (0.00062%); highest among the groups gnomAD compares: Non-Finnish European, 0.00059%; no homozygotes.

Submission:

Ambry Genetics
Classification: Uncertain significance for Cardiovascular phenotype. Last evaluated: 2022-06-27. Review status: criteria provided, single submitter. Criteria: Ambry Variant Classification Scheme 2023. Collection method: clinical testing. Allele origin: germline.
Comment: The p.P238A variant (also known as c.712C>G), located in coding exon 6 of the ABCA1 gene, results from a C to G substitution at nucleotide position 712. The proline at codon 238 is replaced by alanine, an amino acid with highly similar properties. This amino acid position is conserved. In addition, the in silico prediction for this alteration is inconclusive. Since supporting evidence is limited at this time, the clinical significance of this alteration remains unclear.